The following is an entry in ClinVar:

ClinVar aggregate classification (germline): Uncertain significance (1 of 4 stars; one submission).

Submission:

Labcorp Genetics (formerly Invitae), Labcorp
Classification: Uncertain significance. Last evaluated: 2022-09-27. Review status: criteria provided, single submitter. Criteria: Invitae Variant Classification Sherloc (09022015). Collection method: clinical testing. Allele origin: germline.
Comment: This variant has been observed in individual(s) with clinical features of hypophosphatasia (Invitae). This sequence change replaces glycine with arginine at codon 61 of the ALPL protein (p.Gly61Arg). The glycine residue is highly conserved and there is a moderate physicochemical difference between glycine and arginine. This variant also falls at the last nucleotide of exon 3, which is part of the consensus splice site for this exon. This variant is not present in population databases (gnomAD no frequency). ClinVar contains an entry for this variant (Variation ID: 1471129). Algorithms developed to predict the effect of missense changes on protein structure and function are either unavailable or do not agree on the potential impact of this missense change (SIFT: "Not Available"; PolyPhen-2: "Probably Damaging"; Align-GVGD: "Not Available"). Variants that disrupt the consensus splice site are a relatively common cause of aberrant splicing (PMID: 17576681, 9536098). In summary, the available evidence is currently insufficient to determine the role of this variant in disease. Therefore, it has been classified as a Variant of Uncertain Significance.

Literature cited by the submitters: PubMed 17576681; PubMed 9536098.

NM_000478.6(ALPL):c.181G>A (p.Gly61Arg)

Gene: ALPL (alkaline phosphatase, biomineralization associated; plus strand). Cytogenetic location: 1p36.12.
Variant type: single nucleotide variant.
Coding change: c.181G>A on transcript NM_000478.6 (MANE Select); coding-DNA position 181, G replaced by A.
Protein change: p.Gly61Arg; replaces glycine 61 with arginine.
Molecular consequence: missense variant.
Genome position (GRCh38, 1-based): chr1:21,560,745, G>A. VCF-style: chr1-21560745-G-A. GRCh37 (hg19) VCF-style: chr1-21887238-G-A.
Other names: c.16G>A, p.Gly6Arg (NM_001127501.4); c.66G>A, p.Met22Ile (NM_001177520.3); c.181G>A, p.Gly61Arg (NM_001369803.2, NM_001369804.2, NM_001369805.2); short protein forms G6R, M22I, G61R.
Identifiers: ClinVar variation 1471129 (VCV001471129.6), dbSNP rs2148151280, ClinGen allele CA338877769.